The following is an entry in ClinVar:

NM_001206927.2(DNAH8):c.8909C>T (p.Ser2970Phe)

Gene: DNAH8 (dynein axonemal heavy chain 8; plus strand). Cytogenetic location: 6p21.2.
Variant type: single nucleotide variant.
Coding change: c.8909C>T on transcript NM_001206927.2 (MANE Select); coding-DNA position 8909, C replaced by T.
Protein change: p.Ser2970Phe; replaces serine 2970 with phenylalanine.
Molecular consequence: missense variant.
Genome position (GRCh38, 1-based): chr6:38,896,194, C>T. VCF-style: chr6-38896194-C-T. GRCh37 (hg19) VCF-style: chr6-38863970-C-T.
Other names: c.8258C>T, p.Ser2753Phe (NM_001371.4); short protein forms S2970F, S2753F.
Identifiers: ClinVar variation 414375 (VCV000414375.16), dbSNP rs150571615, ClinGen allele CA3790335.

ClinVar aggregate classification (germline): Conflicting classifications of pathogenicity. Review status: criteria provided, conflicting classifications (1 of 4 stars). 4 submissions from 4 submitters: Uncertain significance (1); Likely benign (2). 1 of the submissions does not count toward it. Last evaluated 2026-02-01.

Conditions:
Primary ciliary dyskinesia. Also called: Ciliary dyskinesia. Identifiers: Orphanet 244, MedGen C0008780, MONDO:0016575, HP:0012265.
DNAH8-related disorder. Also called: DNAH8-related condition.

Allele frequency attached by ClinVar (database versions not stated): gnomAD exomes 0.00016 and 0.00034; ExAC 0.00040; 1000 Genomes Project 0.00080; 1000 Genomes Project 30x 0.00094; gnomAD 0.00147 and 0.00161; TOPMed 0.00161; ESP Exome Variant Server 0.00177.
gnomAD v4.1: 480 of 1,613,978 alleles (0.03%); highest among the groups gnomAD compares: African/African-American, 0.54%; 3 homozygotes.

Submissions (4):

Labcorp Genetics (formerly Invitae), Labcorp
Classification: Likely benign for Primary ciliary dyskinesia. Last evaluated: 2026-02-01. Review status: criteria provided, single submitter. Criteria: Invitae Variant Classification Sherloc (09022015). Collection method: clinical testing. Allele origin: germline.

Ambry Genetics
Classification: Uncertain significance. Last evaluated: 2025-08-06. Review status: criteria provided, single submitter. Criteria: Ambry Variant Classification Scheme 2023. Collection method: clinical testing. Allele origin: germline.

Breakthrough Genomics
Classification: Likely benign. Review status: criteria provided, single submitter. Criteria: ACMG Guidelines, 2015. Collection method: not provided. Allele origin: germline. Inheritance: Autosomal recessive inheritance. Affected: yes.

PreventionGenetics, part of Exact Sciences
Classification: Likely benign for DNAH8-related condition. Last evaluated: 2023-01-10. Review status: no assertion criteria provided. Collection method: clinical testing. Allele origin: germline. Not counted in ClinVar's aggregate classification.
Comment: This variant is classified as likely benign based on ACMG/AMP sequence variant interpretation guidelines (Richards et al. 2015 PMID: 25741868, with internal and published modifications).